The following is an entry in ClinVar:

NM_004239.4(TRIP11):c.*749G>A

Gene: TRIP11 (thyroid hormone receptor interactor 11; minus strand). Cytogenetic location: 14q32.12.
Variant type: single nucleotide variant.
Coding change: c.*749G>A on transcript NM_004239.4 (MANE Select); 749 bases downstream of the stop codon, G replaced by A.
Molecular consequence: 3 prime UTR variant.
Genome position (GRCh38, 1-based): chr14:91,968,924, C>T on the plus strand (G>A on the coding strand, the complement: TRIP11 is on the minus strand). VCF-style: chr14-91968924-C-T. GRCh37 (hg19) VCF-style: chr14-92435268-C-T.
Other names: c.*749G>A (NM_001321851.1).
Identifiers: ClinVar variation 884357 (VCV000884357.4), dbSNP rs150189603, ClinGen allele CA265632276.
Genomic context (GRCh38, chr14:91,968,924, plus strand): 5'-AGAGAGGTGGCAATGATTATGAGAGGGCAACACAGGGGGATGCTTGTAATGGAAGTCTTC[C>T]GTGTCTTGCCTGTGGTGGTAGTCACATGAATTTACACACAGGGCCAGGCGCAGTGGCTCA-3'

ClinVar aggregate classification (germline): Benign (1 of 4 stars; one submission).

Conditions:
Achondrogenesis, type IA (ACG1A). Identifiers: Orphanet 932, Orphanet 93299, MedGen C0265273, MONDO:0008701, OMIM 200600.

Allele frequency attached by ClinVar (database versions not stated): gnomAD exomes 0.00129; 1000 Genomes Project 0.00679; gnomAD 0.00682 and 0.00726; 1000 Genomes Project 30x 0.00687; TOPMed 0.00795.
gnomAD v4.1: 1,150 of 231,606 alleles (0.5%); highest among the groups gnomAD compares: African/African-American, 2.3%; 14 homozygotes.

Submission:

Illumina Laboratory Services, Illumina
Classification: Benign for Achondrogenesis, type IA. Last evaluated: 2018-01-13. Review status: criteria provided, single submitter. Criteria: ICSL Variant Classification Criteria 13 December 2019. Collection method: clinical testing. Allele origin: germline.
Comment: This variant was observed in the ICSL laboratory as part of a predisposition screen in an ostensibly healthy population. It had not been previously curated by ICSL or reported in the Human Gene Mutation Database (HGMD: prior to June 1st, 2018), and was therefore a candidate for classification through an automated scoring system. Utilizing variant allele frequency, disease prevalence and penetrance estimates, and inheritance mode, an automated score was calculated to assess if this variant is too frequent to cause the disease. Based on the score and internal cut-off values, a variant classified as benign is not then subjected to further curation. The score for this variant resulted in a classification of benign for this disease.